The following is an entry in ClinVar:

NM_198428.3(BBS9):c.2020C>T (p.Arg674Trp)

Gene: BBS9 (Bardet-Biedl syndrome 9; plus strand). Cytogenetic location: 7p14.3.
Variant type: single nucleotide variant.
Coding change: c.2020C>T on transcript NM_198428.3 (MANE Select); coding-DNA position 2020, C replaced by T.
Protein change: p.Arg674Trp; replaces arginine 674 with tryptophan.
Molecular consequence: missense variant. On other transcripts: non-coding transcript variant (3).
Genome position (GRCh38, 1-based): chr7:33,388,049, C>T. VCF-style: chr7-33388049-C-T. GRCh37 (hg19) VCF-style: chr7-33427661-C-T.
Other names: c.1915C>T, p.Arg639Trp (NM_001033604.2); c.2005C>T, p.Arg669Trp (NM_001033605.2); c.2020C>T, p.Arg674Trp (NM_001348036.1, NM_001348041.4, NM_001348043.3 and 1 more transcripts); c.1654C>T, p.Arg552Trp (NM_001348037.3, NM_001348045.3, NM_001348046.3); c.1747C>T, p.Arg583Trp (NM_001348038.3); c.1642C>T, p.Arg548Trp (NM_001348039.3); c.1900C>T, p.Arg634Trp (NM_001348040.3, NM_014451.4); c.1885C>T, p.Arg629Trp (NM_001348042.3); and 2 more; short protein forms R517W, R629W, R552W, R639W, R669W, R548W, R583W, R634W.
Identifiers: ClinVar variation 1477420 (VCV001477420.12), dbSNP rs368526968, ClinGen allele CA4214573.

ClinVar aggregate classification (germline): Uncertain significance. Review status: criteria provided, multiple submitters, no conflicts (2 of 4 stars). 5 submissions from 5 submitters: Uncertain significance (5). Last evaluated 2026-04-02.

Conditions:
Inborn genetic diseases. Identifiers: MedGen C0950123, MeSH D030342.
BBS9-related disorder. Also called: BBS9-related condition.
Bardet-Biedl syndrome (BBS). Identifiers: Orphanet 110, MedGen C0752166, MONDO:0015229.
Bardet-Biedl syndrome 9 (BBS9). Identifiers: Orphanet 110, MedGen C1859567, MONDO:0014437, OMIM 615986.

Allele frequency attached by ClinVar (database versions not stated): ExAC 0.00002; gnomAD exomes 0.00003 and 0.00004; ESP Exome Variant Server 0.00008; 1000 Genomes Project 30x 0.00016.
gnomAD v4.1: 60 of 1,614,066 alleles (0.0037%); highest among the groups gnomAD compares: Non-Finnish European, 0.0045%; no homozygotes.

Submissions (5):

PreventionGenetics, part of Exact Sciences
Classification: Uncertain significance for BBS9-related condition. Last evaluated: 2026-04-02. Review status: criteria provided, single submitter. Criteria: ACMG Guidelines, 2015. Collection method: clinical testing. Allele origin: germline.
Comment: The BBS9 c.2020C>T variant is predicted to result in the amino acid substitution p.Arg674Trp. To our knowledge, this variant has not been reported in the literature. This variant is reported in 0.0062% of alleles in individuals of European (non-Finnish) descent in gnomAD. At this time, the clinical significance of this variant is uncertain due to the absence of conclusive functional and genetic evidence.

Labcorp Genetics (formerly Invitae), Labcorp
Classification: Uncertain significance for Bardet-Biedl syndrome. Last evaluated: 2025-01-18. Review status: criteria provided, single submitter. Criteria: Invitae Variant Classification Sherloc (09022015). Collection method: clinical testing. Allele origin: germline.
Comment: This sequence change replaces arginine, which is basic and polar, with tryptophan, which is neutral and slightly polar, at codon 674 of the BBS9 protein (p.Arg674Trp). This variant is present in population databases (rs368526968, gnomAD 0.006%). This variant has not been reported in the literature in individuals affected with BBS9-related conditions. ClinVar contains an entry for this variant (Variation ID: 1477420). Invitae Evidence Modeling of protein sequence and biophysical properties (such as structural, functional, and spatial information, amino acid conservation, physicochemical variation, residue mobility, and thermodynamic stability) indicates that this missense variant is expected to disrupt BBS9 protein function with a positive predictive value of 80%. In summary, the available evidence is currently insufficient to determine the role of this variant in disease. Therefore, it has been classified as a Variant of Uncertain Significance.

Fulgent Genetics
Classification: Uncertain significance for Bardet-Biedl syndrome 9. Last evaluated: 2024-03-25. Review status: criteria provided, single submitter. Criteria: ACMG Guidelines, 2015. Collection method: clinical testing. Allele origin: germline.

Blueprint Genetics
Classification: Uncertain significance. Last evaluated: 2023-08-01. Review status: criteria provided, single submitter. Criteria: ACMG Guidelines, 2015. Collection method: clinical testing. Allele origin: germline.

Ambry Genetics
Classification: Uncertain significance for Inborn genetic diseases. Last evaluated: 2021-08-10. Review status: criteria provided, single submitter. Criteria: Ambry Variant Classification Scheme 2023. Collection method: clinical testing. Allele origin: germline.